The following is an entry in ClinVar:

NM_001394372.1(BICRA):c.1065C>T (p.Pro355=)

Gene: BICRA (BRD4 interacting chromatin remodeling complex associated protein; plus strand). Cytogenetic location: 19q13.33.
Variant type: single nucleotide variant.
Coding change: c.1065C>T on transcript NM_001394372.1 (MANE Select); coding-DNA position 1065, C replaced by T.
Protein change: p.Pro355=; no amino-acid change (proline 355 retained).
Molecular consequence: synonymous variant.
Genome position (GRCh38, 1-based): chr19:47,680,235, C>T. VCF-style: chr19-47680235-C-T. GRCh37 (hg19) VCF-style: chr19-48183492-C-T.
Other names: c.1065C>T, p.Pro355= (NM_015711.3).
Identifiers: ClinVar variation 3771437 (VCV003771437.13).

ClinVar aggregate classification (germline): Likely benign (1 of 4 stars; one submission).

gnomAD v4.1: 15 of 1,559,762 alleles (0.00096%); highest among the groups gnomAD compares: Admixed American, 0.0055%; no homozygotes.

Submission:

CeGaT Center for Human Genetics Tuebingen
Classification: Likely benign. Last evaluated: 2024-12-01. Review status: criteria provided, single submitter. Criteria: CeGaT Center For Human Genetics Tuebingen Variant Classification Criteria Version 2. Collection method: clinical testing. Allele origin: germline. Affected: yes. Observed: 1 variant allele.
Comment: BICRA: BP4, BP7